The following is an entry in ClinVar:

ClinVar aggregate classification (germline): Likely pathogenic (1 of 4 stars; one submission).

Submission:

Labcorp Genetics (formerly Invitae), Labcorp
Classification: Likely pathogenic. Last evaluated: 2022-09-02. Review status: criteria provided, single submitter. Criteria: Invitae Variant Classification Sherloc (09022015). Collection method: clinical testing. Allele origin: germline.
Comment: This variant has not been reported in the literature in individuals affected with TONSL-related conditions. This variant results in a copy number gain of the genomic region encompassing exon(s) 5-12 of the TONSL gene. While the exact position of this variant cannot be determined from the data, sub-genic copy number gains are generally in tandem (PMID: 25640679). This variant is predicted to be out-of-frame, and may result in an absent or disrupted protein product. Loss-of-function variants in TONSL are known to be pathogenic (PMID: 30773277). In summary, the currently available evidence indicates that the variant is pathogenic, but additional data are needed to prove that conclusively. Therefore, this variant has been classified as Likely Pathogenic.

Literature cited by the submitters: PubMed 25640679; PubMed 30773277.

NC_000008.10:g.(?_145664016)_(145668209_?)dup

Gene: TONSL (tonsoku like, DNA repair protein; minus strand). Cytogenetic location: 8q24.3.
Variant type: Duplication.
Identifiers: ClinVar variation 2425866 (VCV002425866.4).